The following is an entry in ClinVar:

ClinVar aggregate classification (germline): Conflicting classifications of pathogenicity. Review status: criteria provided, conflicting classifications (1 of 4 stars). 5 submissions from 5 submitters: Uncertain significance (4); Likely benign (1). Last evaluated 2026-04-29.

Conditions:
Heart defect - tongue hamartoma - polysyndactyly syndrome. Also called: Congenital heart defects, hamartomas of tongue, and polysyndactyly. Identifiers: Orphanet 1338, MedGen C1857587, MONDO:0009008, OMIM 217085.
Bardet-Biedl syndrome 15 (BBS15). Identifiers: Orphanet 110, MedGen C3150127, MONDO:0014443, OMIM 615992.
Bardet-Biedl syndrome (BBS). Identifiers: Orphanet 110, MedGen C0752166, MONDO:0015229.
WDPCP-related disorder. Also called: WDPCP-related condition.

Allele frequency attached by ClinVar (database versions not stated): TOPMed 0.00014; gnomAD 0.00016 and 0.00017; ESP Exome Variant Server 0.00025; 1000 Genomes Project 30x 0.00031; 1000 Genomes Project 0.00040.
gnomAD v4.1: 234 of 1,612,092 alleles (0.015%); highest among the groups gnomAD compares: Middle Eastern, 0.15%; no homozygotes.

Submissions (5):

PreventionGenetics, part of Exact Sciences
Classification: Uncertain significance for WDPCP-related condition. Last evaluated: 2026-04-29. Review status: criteria provided, single submitter. Criteria: ACMG Guidelines, 2015. Collection method: clinical testing. Allele origin: germline.
Comment: The WDPCP c.1438G>A variant is predicted to result in the amino acid substitution p.Val480Ile. To our knowledge, this variant has not been reported in the literature. This variant is reported in 0.023% of alleles in individuals of Latino descent in gnomAD. At this time, the clinical significance of this variant is uncertain due to the absence of conclusive functional and genetic evidence.

Blueprint Genetics
Classification: Likely benign. Last evaluated: 2024-10-10. Review status: criteria provided, single submitter. Criteria: ACMG Guidelines, 2015. Collection method: clinical testing. Allele origin: germline.

Labcorp Genetics (formerly Invitae), Labcorp
Classification: Uncertain significance for Bardet-Biedl syndrome. Last evaluated: 2022-08-23. Review status: criteria provided, single submitter. Criteria: Invitae Variant Classification Sherloc (09022015). Collection method: clinical testing. Allele origin: germline.
Comment: This sequence change replaces valine, which is neutral and non-polar, with isoleucine, which is neutral and non-polar, at codon 480 of the WDPCP protein (p.Val480Ile). This variant is present in population databases (rs201412509, gnomAD 0.02%). This variant has not been reported in the literature in individuals affected with WDPCP-related conditions. ClinVar contains an entry for this variant (Variation ID: 531816). Algorithms developed to predict the effect of missense changes on protein structure and function output the following: SIFT: "Tolerated"; PolyPhen-2: "Benign"; Align-GVGD: "Class C0". The isoleucine amino acid residue is found in multiple mammalian species, which suggests that this missense change does not adversely affect protein function. In summary, the available evidence is currently insufficient to determine the role of this variant in disease. Therefore, it has been classified as a Variant of Uncertain Significance.

Genetic Services Laboratory, University of Chicago
Classification: Uncertain significance. Last evaluated: 2019-05-29. Review status: criteria provided, single submitter. Criteria: ACMG Guidelines, 2015. Collection method: clinical testing. Allele origin: germline. Affected: no.

Fulgent Genetics
Classification: Uncertain significance for Heart defect - tongue hamartoma - polysyndactyly syndrome; Bardet-Biedl syndrome 15. Last evaluated: 2018-10-31. Review status: criteria provided, single submitter. Criteria: ACMG Guidelines, 2015. Collection method: clinical testing. Allele origin: unknown.

NM_015910.7(WDPCP):c.1438G>A (p.Val480Ile)

Gene: WDPCP (WD repeat containing planar cell polarity effector; minus strand). Cytogenetic location: 2p15.
Variant type: single nucleotide variant.
Coding change: c.1438G>A on transcript NM_015910.7 (MANE Select); coding-DNA position 1438, G replaced by A.
Protein change: p.Val480Ile; replaces valine 480 with isoleucine.
Molecular consequence: missense variant. On other transcripts: non-coding transcript variant (3).
Genome position (GRCh38, 1-based): chr2:63,382,092, C>T on the plus strand (G>A on the coding strand, the complement: WDPCP is on the minus strand). VCF-style: chr2-63382092-C-T. GRCh37 (hg19) VCF-style: chr2-63609227-C-T.
Other names: c.961G>A, p.Val321Ile (NM_001042692.3); c.1366G>A, p.Val456Ile (NM_001354044.2); c.1438G>A, p.Val480Ile (NM_001354045.2); short protein forms V480I, V321I, V456I.
Identifiers: ClinVar variation 531816 (VCV000531816.14), dbSNP rs201412509, ClinGen allele CA1682204.